The following is an entry in ClinVar:

ClinVar aggregate classification (germline): Conflicting classifications of pathogenicity. Review status: criteria provided, conflicting classifications (1 of 4 stars). 4 submissions from 4 submitters: Uncertain significance (1); Likely benign (2). 1 of the submissions does not count toward it. Last evaluated 2025-04-28.

Conditions:
PITPNM3-related disorder. Also called: PITPNM3-related condition.
Cone-rod dystrophy 5 (CORD5). Identifiers: Orphanet 1872, MedGen C1832976, MONDO:0010969, OMIM 600977.

Allele frequency attached by ClinVar (database versions not stated): gnomAD 0.00004; ExAC 0.00005; TOPMed 0.00007; gnomAD exomes 0.00008.
gnomAD v4.1: 211 of 1,613,966 alleles (0.013%); highest among the groups gnomAD compares: Non-Finnish European, 0.017%; no homozygotes.

Submissions (4):

Labcorp Genetics (formerly Invitae), Labcorp
Classification: Likely benign. Last evaluated: 2025-04-28. Review status: criteria provided, single submitter. Criteria: Invitae Variant Classification Sherloc (09022015). Collection method: clinical testing. Allele origin: germline.

Blueprint Genetics
Classification: Likely benign. Last evaluated: 2024-10-28. Review status: criteria provided, single submitter. Criteria: ACMG Guidelines, 2015. Collection method: clinical testing. Allele origin: germline.

Illumina Laboratory Services, Illumina
Classification: Uncertain significance for Cone-rod dystrophy 5. Last evaluated: 2018-01-12. Review status: criteria provided, single submitter. Criteria: ICSL Variant Classification Criteria 13 December 2019. Collection method: clinical testing. Allele origin: germline.

PreventionGenetics, part of Exact Sciences
Classification: Likely benign for PITPNM3-related condition. Last evaluated: 2019-06-17. Review status: no assertion criteria provided. Collection method: clinical testing. Allele origin: germline. Not counted in ClinVar's aggregate classification.
Comment: This variant is classified as likely benign based on ACMG/AMP sequence variant interpretation guidelines (Richards et al. 2015 PMID: 25741868, with internal and published modifications).

NM_031220.4(PITPNM3):c.2190G>A (p.Thr730=)

Gene: PITPNM3 (PITPNM family member 3; minus strand). Cytogenetic location: 17p13.2.
Variant type: single nucleotide variant.
Coding change: c.2190G>A on transcript NM_031220.4 (MANE Select); coding-DNA position 2190, G replaced by A.
Protein change: p.Thr730=; no amino-acid change (threonine 730 retained).
Molecular consequence: synonymous variant.
Genome position (GRCh38, 1-based): chr17:6,463,848, C>T on the plus strand (G>A on the coding strand, the complement: PITPNM3 is on the minus strand). VCF-style: chr17-6463848-C-T. GRCh37 (hg19) VCF-style: chr17-6367168-C-T.
Other names: c.2082G>A, p.Thr694= (NM_001165966.2).
Identifiers: ClinVar variation 838018 (VCV000838018.16), dbSNP rs781691392, ClinGen allele CA8329245.